The following is an entry in ClinVar:

ClinVar aggregate classification (germline): Uncertain significance (1 of 4 stars; one submission).

Conditions:
Combined oxidative phosphorylation defect type 17. Also called: Combined oxidative phosphorylation deficiency 17. Identifiers: Orphanet 369913, MedGen C3809526, MONDO:0014190, OMIM 615440.

Allele frequency attached by ClinVar (database versions not stated): TOPMed below 0.00001; gnomAD 0.00001.

Submission:

Labcorp Genetics (formerly Invitae), Labcorp
Classification: Uncertain significance for Combined oxidative phosphorylation defect type 17. Last evaluated: 2022-07-05. Review status: criteria provided, single submitter. Criteria: Invitae Variant Classification Sherloc (09022015). Collection method: clinical testing. Allele origin: germline.
Comment: This sequence change replaces methionine, which is neutral and non-polar, with isoleucine, which is neutral and non-polar, at codon 124 of the ELAC2 protein (p.Met124Ile). This variant is not present in population databases (gnomAD no frequency). This variant has not been reported in the literature in individuals affected with ELAC2-related conditions. ClinVar contains an entry for this variant (Variation ID: 1373350). Algorithms developed to predict the effect of missense changes on protein structure and function (SIFT, PolyPhen-2, Align-GVGD) all suggest that this variant is likely to be tolerated. In summary, the available evidence is currently insufficient to determine the role of this variant in disease. Therefore, it has been classified as a Variant of Uncertain Significance.

NM_018127.7(ELAC2):c.372G>A (p.Met124Ile)

Gene: ELAC2 (elaC ribonuclease Z 2; minus strand). Cytogenetic location: 17p12.
Variant type: single nucleotide variant.
Coding change: c.372G>A on transcript NM_018127.7 (MANE Select); coding-DNA position 372, G replaced by A.
Protein change: p.Met124Ile; replaces methionine 124 with isoleucine.
Molecular consequence: missense variant.
Genome position (GRCh38, 1-based): chr17:13,015,828, C>T on the plus strand (G>A on the coding strand, the complement: ELAC2 is on the minus strand). VCF-style: chr17-13015828-C-T. GRCh37 (hg19) VCF-style: chr17-12919145-C-T.
Other names: c.372G>A, p.Met124Ile (NM_001165962.2, NM_173717.2); short protein forms M124I.
Identifiers: ClinVar variation 1373350 (VCV001373350.3), dbSNP rs765484266, ClinGen allele CA398218281.
Genomic context (GRCh38, chr17:13,015,828, plus strand): 5'-CAGTTGTGGAGGTCCAGAAAGTACACACTTTGGAAGCCCGGTTTCCTTTAAAGTAAGAAT[C>T]ATTCCTAAAAAGGATGCATAAAATCAGATCTCTCATCAATTTGACCTGTCGTCACTAACA-3'
Protein context (NP_060597.4, residues 114-134): HWSNVGGLSG[Met124Ile]ILTLKETGLP